The following is an entry in ClinVar:

ClinVar aggregate classification (germline): Conflicting classifications of pathogenicity. Review status: criteria provided, conflicting classifications (1 of 4 stars). 7 submissions from 7 submitters: Uncertain significance (3); Benign (1); Likely benign (3). Last evaluated 2026-01-27.

Conditions:
COL6A2-related disorder.
Collagen 6-related myopathy. Identifiers: MedGen CN117976, MONDO:0100225.
Bethlem myopathy 1A. Also called: Bethlem Muscular Dystrophy; MYOPATHY, BENIGN CONGENITAL, WITH CONTRACTURES; Bethlem myopathy 1. Identifiers: Orphanet 610, MedGen CN029274, MONDO:0024530, OMIM 158810.

Allele frequency attached by ClinVar (database versions not stated): gnomAD exomes 0.00008 and 0.00017; 1000 Genomes Project 30x 0.00016; 1000 Genomes Project 0.00020; ExAC 0.00023; ESP Exome Variant Server 0.00077; gnomAD 0.00079 and 0.00087; TOPMed 0.00088.
gnomAD v4.1: 246 of 1,609,336 alleles (0.015%); highest among the groups gnomAD compares: African/African-American, 0.27%; no homozygotes.

Submissions (7):

Labcorp Genetics (formerly Invitae), Labcorp
Classification: Likely benign for Bethlem myopathy 1A. Last evaluated: 2026-01-27. Review status: criteria provided, single submitter. Criteria: Invitae Variant Classification Sherloc (09022015). Collection method: clinical testing. Allele origin: germline.

Revvity Omics, Revvity
Classification: Uncertain significance. Last evaluated: 2025-08-07. Review status: criteria provided, single submitter. Criteria: ACMG Guidelines, 2015. Collection method: clinical testing. Allele origin: germline.

PreventionGenetics, part of Exact Sciences
Classification: Likely benign for COL6A2-related condition. Last evaluated: 2025-04-16. Review status: criteria provided, single submitter. Criteria: ACMG Guidelines, 2015. Collection method: clinical testing. Allele origin: germline.
Comment: This variant is classified as likely benign based on ACMG/AMP sequence variant interpretation guidelines (Richards et al. 2015 PMID: 25741868, with internal and published modifications).

GeneDx
Classification: Likely benign. Last evaluated: 2021-08-18. Review status: criteria provided, single submitter. Criteria: GeneDx Variant Classification Process June 2021. Collection method: clinical testing. Allele origin: germline. Affected: yes.
Comment: This variant is associated with the following publications: (PMID: 30564623)

Blueprint Genetics
Classification: Uncertain significance. Last evaluated: 2021-02-05. Review status: criteria provided, single submitter. Criteria: ACMG Guidelines, 2015. Collection method: clinical testing. Allele origin: germline.

Illumina Laboratory Services, Illumina
Classification: Benign for Collagen VI-related myopathy. Last evaluated: 2018-01-13. Review status: criteria provided, single submitter. Criteria: ICSL Variant Classification Criteria 13 December 2019. Collection method: clinical testing. Allele origin: germline.
Comment: This variant was observed in the ICSL laboratory as part of a predisposition screen in an ostensibly healthy population. It had not been previously curated by ICSL or reported in the Human Gene Mutation Database (HGMD: prior to June 1st, 2018), and was therefore a candidate for classification through an automated scoring system. Utilizing variant allele frequency, disease prevalence and penetrance estimates, and inheritance mode, an automated score was calculated to assess if this variant is too frequent to cause the disease. Based on the score and internal cut-off values, a variant classified as benign is not then subjected to further curation. The score for this variant resulted in a classification of benign for this disease.

Eurofins Ntd Llc (ga)
Classification: Uncertain significance. Last evaluated: 2017-11-16. Review status: criteria provided, single submitter. Criteria: EGL Classification Definitions 2015. Collection method: clinical testing. Allele origin: germline. Observed: 4 variant alleles, 4 heterozygotes.

NM_001849.4(COL6A2):c.568G>A (p.Val190Met)

Gene: COL6A2 (collagen type VI alpha 2 chain; plus strand). Cytogenetic location: 21q22.3.
Variant type: single nucleotide variant.
Coding change: c.568G>A on transcript NM_001849.4 (MANE Select); coding-DNA position 568, G replaced by A.
Protein change: p.Val190Met; replaces valine 190 with methionine.
Molecular consequence: missense variant.
Genome position (GRCh38, 1-based): chr21:46,112,431, G>A. VCF-style: chr21-46112431-G-A. GRCh37 (hg19) VCF-style: chr21-47532345-G-A.
Other names: c.568G>A, p.Val190Met (NM_058174.3, NM_058175.3); short protein forms V190M.
Identifiers: ClinVar variation 282463 (VCV000282463.26), dbSNP rs150877061, ClinGen allele CA10071340.
Genomic context (GRCh38, chr21:46,112,431, plus strand): 5'-TGCGGGGGCATCAAGCTGCAGGCCGAGCGGGCCCGCGAGGAGGGCATCCGGCTCTTCGCC[G>A]TGGCCCCCAACCAGAACCTGAAGGAGCAGGGCCTGCGGGACATCGCCAGCACGCCGCACG-3'
Protein context (NP_001840.3, residues 180-200): AREEGIRLFA[Val190Met]APNQNLKEQG